The following is an entry in ClinVar:

ClinVar aggregate classification (germline): Pathogenic/Likely pathogenic. Review status: criteria provided, multiple submitters, no conflicts (2 of 4 stars). 9 submissions from 9 submitters: Pathogenic (6); Likely pathogenic (1). 2 of the submissions do not count toward it. Last evaluated 2026-08-01.

Conditions:
REEP1-related disorder. Also called: REEP1-related condition.
Inborn genetic diseases. Identifiers: MedGen C0950123, MeSH D030342.
Spastic paraplegia. Identifiers: MedGen C0037772, HP:0001258.
Hereditary spastic paraplegia. Also called: Familial spastic paraparesis. Identifiers: Orphanet 685, MedGen C0037773, MONDO:0019064. Disease mechanism: loss of function.
Hereditary spastic paraplegia 31. Also called: SPASTIC PARAPLEGIA 31, AUTOSOMAL DOMINANT. Identifiers: Orphanet 101011, MedGen C1853247, MONDO:0012453, OMIM 610250.

gnomAD v4.1: 4 of 1,608,982 alleles (0.00025%); highest among the groups gnomAD compares: Non-Finnish European, 0.00034%; no homozygotes.

Submissions (9):

CeGaT Center for Human Genetics Tuebingen
Classification: Pathogenic. Last evaluated: 2026-08-01. Review status: criteria provided, single submitter. Criteria: CeGaT Center For Human Genetics Tuebingen Variant Classification Criteria Version 2. Collection method: clinical testing. Allele origin: germline. Affected: yes. Observed: 3 variant alleles.
Comment: REEP1: PP1:Strong, PS4, PM2, PP3, PS3:Supporting

GeneDx
Classification: Pathogenic. Last evaluated: 2025-10-29. Review status: criteria provided, single submitter. Criteria: GeneDx Variant Classification Process June 2021. Collection method: clinical testing. Allele origin: germline. Affected: yes.
Comment: Published functional studies demonstrate that A20E increases neurite degeneration and affects neurite growth (PMID: 26201691); In silico analysis supports that this missense variant has a deleterious effect on protein structure/function; Not observed at significant frequency in large population cohorts (gnomAD); This variant is associated with the following publications: (PMID: 24478229, 25525159, 18321925, 20718791, 37541188, 37147312, 22703882, 23812641, 16826527, 21618648, 32581362, 33210134, 26201691)

Labcorp Genetics (formerly Invitae), Labcorp
Classification: Pathogenic for Hereditary spastic paraplegia 31. Last evaluated: 2025-10-06. Review status: criteria provided, single submitter. Criteria: Invitae Variant Classification Sherloc (09022015). Collection method: clinical testing. Allele origin: germline.
Comment: This sequence change replaces alanine, which is neutral and non-polar, with glutamic acid, which is acidic and polar, at codon 20 of the REEP1 protein (p.Ala20Glu). This variant is not present in population databases (gnomAD no frequency). This missense change has been observed in individuals with hereditary spastic paraplegia (HSP) (PMID: 16826527, 18321925, 20718791, 23812641). It has also been observed to segregate with disease in related individuals. ClinVar contains an entry for this variant (Variation ID: 1862). Invitae Evidence Modeling of protein sequence and biophysical properties (such as structural, functional, and spatial information, amino acid conservation, physicochemical variation, residue mobility, and thermodynamic stability) indicates that this missense variant is expected to disrupt REEP1 protein function with a positive predictive value of 95%. Experimental studies have shown that this missense change affects REEP1 function (PMID: 22703882, 24478229, 26201691). For these reasons, this variant has been classified as Pathogenic.

Ambry Genetics
Classification: Likely pathogenic for Inborn genetic diseases. Last evaluated: 2024-07-09. Review status: criteria provided, single submitter. Criteria: Ambry Variant Classification Scheme 2023. Collection method: clinical testing. Allele origin: germline.
Comment: The c.59C>A (p.A20E) alteration is located in exon 2 (coding exon 2) of the REEP1 gene. This alteration results from a C to A substitution at nucleotide position 59, causing the alanine (A) at amino acid position 20 to be replaced by a glutamic acid (E). This variant was not reported in population-based cohorts in the Genome Aggregation Database (gnomAD). This variant was reported in multiple individuals with features consistent with hereditary spastic paraplegia and has been detected to segregate with disease in one family (Z&uuml;chner, 2006; Beetz, 2008; McCorquodale, 2011; Kumar, 2013). This amino acid position is highly conserved in available vertebrate species. This alteration is predicted to be deleterious by in silico analysis. Based on the available evidence, this alteration is classified as likely pathogenic.

Blueprint Genetics
Classification: Pathogenic for REEP1-related disorders. Last evaluated: 2024-02-06. Review status: criteria provided, single submitter. Criteria: ACMG Guidelines, 2015. Collection method: clinical testing. Allele origin: germline. Affected: yes. Observed: 5 variant alleles.

Athena Diagnostics
Classification: Pathogenic. Last evaluated: 2021-08-12. Review status: criteria provided, single submitter. Criteria: Athena Diagnostics Criteria. Collection method: clinical testing. Allele origin: unknown.
Comment: This variant has not been reported in large, multi-ethnic general populations. This variant is statistically more frequent in affected individuals than in the general population and/or healthy controls. Assessment of experimental evidence suggests this variant results in abnormal protein function. This variant was shown to impair protein localization in the endoplasmic reticulum (PMID 24478229).

Genome Diagnostics Laboratory, The Hospital for Sick Children
Classification: Pathogenic for Hereditary spastic paraplegia. Last evaluated: 2017-03-06. Review status: criteria provided, single submitter. Criteria: ACMG Guidelines, 2015. Collection method: clinical testing. Allele origin: germline. Affected: yes.

OMIM
Classification: Pathogenic for SPASTIC PARAPLEGIA 31, AUTOSOMAL DOMINANT. Last evaluated: 2015-11-01. Review status: no assertion criteria provided. Collection method: literature only. Allele origin: germline. Not counted in ClinVar's aggregate classification.

NIHR Bioresource Rare Diseases, University of Cambridge
Classification: Pathogenic for Spastic paraplegia. Review status: no assertion criteria provided. Collection method: research. Allele origin: unknown. Affected: yes. Observed: 1 variant allele. Not counted in ClinVar's aggregate classification.

Literature cited by the submitters: PubMed 16826527 (cited by 4 submitters); PubMed 18321925 (cited by 4 submitters); PubMed 20718791 (cited by 3 submitters); PubMed 23812641 (cited by 3 submitters); PubMed 22703882 (cited by 3 submitters); PubMed 24478229 (cited by Labcorp Genetics (formerly Invitae), Labcorp and Athena Diagnostics); PubMed 26201691 (cited by 3 submitters); PubMed 25525159 (cited by Athena Diagnostics); PubMed 32581362 (cited by NIHR Bioresource Rare Diseases, University of Cambridge).

NM_001371279.1(REEP1):c.59C>A (p.Ala20Glu)

Gene: REEP1 (receptor accessory protein 1; minus strand). Cytogenetic location: 2p11.2.
Variant type: single nucleotide variant.
Coding change: c.59C>A on transcript NM_001371279.1 (MANE Select); coding-DNA position 59, C replaced by A.
Protein change: p.Ala20Glu; replaces alanine 20 with glutamic acid.
Molecular consequence: missense variant. On other transcripts: intron variant (1).
Genome position (GRCh38, 1-based): chr2:86,282,216, G>T on the plus strand (C>A on the coding strand, the complement: REEP1 is on the minus strand). VCF-style: chr2-86282216-G-T. GRCh37 (hg19) VCF-style: chr2-86509339-G-T.
Other names: c.80C>A, p.Ala27Glu (NM_001164730.2); c.59C>A, p.Ala20Glu (NM_001164732.2, NM_001371280.1, NM_022912.3); c.25-18175C>A (NM_001164731.2); short protein forms A20E, A27E.
Identifiers: ClinVar variation 1862 (VCV000001862.36), dbSNP rs121918262, ClinGen allele CA115247.
Genomic context (GRCh38, chr2:86,282,216, plus strand): 5'-ACAGTGCTACTTACATATTCCTTAATGTCCTTTGATTTCACAGCCTTGTAGGAATAATAC[G>T]CAGGGTAAAGGGTGCCAAATATAAGCCTGGAGGGAAGAGAGACAAAAATAAATACGATTT-3'
Protein context (NP_001358208.1, residues 10-30): VVLIFGTLYP[Ala20Glu]YYSYKAVKSK